The following is an entry in ClinVar:

NM_020822.3(KCNT1):c.2695G>A (p.Ala899Thr)

Gene: KCNT1 (potassium sodium-activated channel subfamily T member 1; plus strand). Cytogenetic location: 9q34.3.
Variant type: single nucleotide variant.
Coding change: c.2695G>A on transcript NM_020822.3 (MANE Select); coding-DNA position 2695, G replaced by A.
Protein change: p.Ala899Thr; replaces alanine 899 with threonine.
Molecular consequence: missense variant.
Genome position (GRCh38, 1-based): chr9:135,778,788, G>A. VCF-style: chr9-135778788-G-A. GRCh37 (hg19) VCF-style: chr9-138670634-G-A.
Other names: c.2560G>A, p.Ala854Thr (NM_001272003.2); short protein forms A899T, A854T.
Identifiers: ClinVar variation 412309 (VCV000412309.12), dbSNP rs778647834, ClinGen allele CA5327393.

ClinVar aggregate classification (germline): Uncertain significance (1 of 4 stars; one submission).

Conditions:
Developmental and epileptic encephalopathy, 14 (DEE14). Also called: Early infantile epileptic encephalopathy 14. Identifiers: Orphanet 293181, MedGen C3554195, MONDO:0013989, OMIM 614959.
Autosomal dominant nocturnal frontal lobe epilepsy 5. Also called: CILIARY DYSKINESIA, PRIMARY, 28, WITH SITUS INVERSUS; Epilepsy, nocturnal frontal lobe, 5; CILIARY DYSKINESIA, PRIMARY, 28, WITHOUT SITUS INVERSUS; KCNT1-Related Epilepsy. Identifiers: Orphanet 98784, MedGen C3554306, MONDO:0014002, OMIM 615005.

Allele frequency attached by ClinVar (database versions not stated): gnomAD exomes below 0.00001 and 0.00001; TOPMed below 0.00001; ExAC 0.00001.
gnomAD v4.1: 11 of 1,613,876 alleles (0.00068%); highest among the groups gnomAD compares: South Asian, 0.0022%; no homozygotes.

Submission:

Labcorp Genetics (formerly Invitae), Labcorp
Classification: Uncertain significance for Autosomal dominant nocturnal frontal lobe epilepsy 5; Developmental and epileptic encephalopathy, 14. Last evaluated: 2023-07-07. Review status: criteria provided, single submitter. Criteria: Invitae Variant Classification Sherloc (09022015). Collection method: clinical testing. Allele origin: germline.
Comment: This variant is present in population databases (rs778647834, gnomAD 0.003%). In summary, the available evidence is currently insufficient to determine the role of this variant in disease. Therefore, it has been classified as a Variant of Uncertain Significance. Advanced modeling of protein sequence and biophysical properties (such as structural, functional, and spatial information, amino acid conservation, physicochemical variation, residue mobility, and thermodynamic stability) has been performed at Invitae for this missense variant, however the output from this modeling did not meet the statistical confidence thresholds required to predict the impact of this variant on KCNT1 protein function. ClinVar contains an entry for this variant (Variation ID: 412309). This variant has not been reported in the literature in individuals affected with KCNT1-related conditions. This sequence change replaces alanine, which is neutral and non-polar, with threonine, which is neutral and polar, at codon 899 of the KCNT1 protein (p.Ala899Thr).